The following is an entry in ClinVar:

ClinVar aggregate classification (germline): Uncertain significance (1 of 4 stars; one submission).

Conditions:
Arrhythmogenic cardiomyopathy with wooly hair and keratoderma. Also called: PALMOPLANTAR KERATODERMA WITH LEFT VENTRICULAR CARDIOMYOPATHY AND WOOLLY HAIR; Carvajal syndrome; Dilated cardiomyopathy with woolly hair and keratoderma; Arrhythmogenic cardiomyopathy with woolly hair and keratoderma. Identifiers: Orphanet 65282, MedGen C1854063, MONDO:0011581, OMIM 605676.

Submission:

All of Us Research Program, National Institutes of Health
Classification: Uncertain significance for Arrhythmogenic cardiomyopathy with wooly hair and keratoderma. Last evaluated: 2023-05-04. Review status: criteria provided, single submitter. Criteria: ACMG Guidelines, 2015. Collection method: clinical testing. Allele origin: germline. Inheritance: Autosomal dominant inheritance. Observed: 1 variant allele, 1 heterozygote.
Comment: This missense variant replaces alanine with glutamic acid at codon 2710 of the DSP protein. Computational prediction is inconclusive regarding the impact of this variant on protein structure and function (internally defined REVEL score threshold 0.5 < inconclusive < 0.7, PMID: 27666373). To our knowledge, functional studies have not been reported for this variant. This variant has not been reported in individuals affected with DSP-related disorders in the literature. This variant has not been identified in the general population by the Genome Aggregation Database (gnomAD). The available evidence is insufficient to determine the role of this variant in disease conclusively. Therefore, this variant is classified as a Variant of Uncertain Significance.

This study involves interpretation of variants in research participants for the purpose of population health screening. Participant phenotype was not available at the time of variant classification. Additional details can be found in publication PMID: 35346344, PMCID: PMC8962531

NM_004415.4(DSP):c.8129C>A (p.Ala2710Glu)

Gene: DSP (desmoplakin; plus strand). Cytogenetic location: 6p24.3.
Variant type: single nucleotide variant.
Coding change: c.8129C>A on transcript NM_004415.4 (MANE Select); coding-DNA position 8129, C replaced by A.
Protein change: p.Ala2710Glu; replaces alanine 2710 with glutamic acid.
Molecular consequence: missense variant.
Genome position (GRCh38, 1-based): chr6:7,585,391, C>A. VCF-style: chr6-7585391-C-A. GRCh37 (hg19) VCF-style: chr6-7585624-C-A.
Other names: c.6332C>A, p.Ala2111Glu (NM_001008844.3); c.6800C>A, p.Ala2267Glu (NM_001319034.2); short protein forms A2111E, A2267E, A2710E.
Identifiers: ClinVar variation 3070731 (VCV003070731.1), dbSNP rs2533949684, ClinGen allele CA362694500.